The following is an entry in ClinVar:

ClinVar aggregate classification (germline): Pathogenic/Likely pathogenic. Review status: criteria provided, multiple submitters, no conflicts (2 of 4 stars). 2 submissions from 2 submitters: Pathogenic (1); Likely pathogenic (1). Last evaluated 2024-10-21.

Conditions:
Leucine-induced hypoglycemia (LIH). Also called: LEUCINE-SENSITIVE HYPOGLYCEMIA OF INFANCY. Identifiers: MedGen C0271714, MONDO:0009415, OMIM 240800.
Hyperinsulinemic hypoglycemia, familial, 1 (HHF1). Also called: Persistent hyperinsulinemic hypoglycemia of infancy; HYPERINSULINISM, FAMILIAL, WITH PANCREATIC NESIDIOBLASTOSIS; HYPOGLYCEMIA, HYPERINSULINEMIC, OF INFANCY; NESIDIOBLASTOSIS OF PANCREAS; Persistent Hyperinsulinemia Hypoglycemia of Infancy. Identifiers: Orphanet 276575, Orphanet 276598, MedGen C2931832, MONDO:0009734, OMIM 256450.
Diabetes mellitus, permanent neonatal 3. Also called: ABCC8-Related Permanent Neonatal Diabetes Mellitus. Identifiers: MedGen C5394303, MONDO:0030088, OMIM 618857.
Diabetes mellitus, transient neonatal, 2 (TNDM2). Identifiers: Orphanet 99886, MedGen C1835887, MONDO:0012480, OMIM 610374. Disease mechanism: loss of function.
Type 2 diabetes mellitus. Also called: Type II diabetes mellitus. Identifiers: MedGen C0011860, MeSH D003924, MONDO:0005148, OMIM 125853, HP:0005978.

Allele frequency attached by ClinVar (database versions not stated): TOPMed below 0.00001; ExAC 0.00001.
gnomAD v4.1: 2 of 1,614,112 alleles (0.00012%); highest among the groups gnomAD compares: Non-Finnish European, 0.00017%; no homozygotes.

Submissions (2):

Labcorp Genetics (formerly Invitae), Labcorp
Classification: Pathogenic. Last evaluated: 2024-10-21. Review status: criteria provided, single submitter. Criteria: Invitae Variant Classification Sherloc (09022015). Collection method: clinical testing. Allele origin: germline.
Comment: This sequence change replaces glycine, which is neutral and non-polar, with valine, which is neutral and non-polar, at codon 1554 of the ABCC8 protein (p.Gly1554Val). This variant is present in population databases (rs760494159, gnomAD 0.0009%). This missense change has been observed in individual(s) with autosomal recessive diffuse or paternally inherited focal hyperinsulinism (PMID: 28328534). It has also been observed to segregate with disease in related individuals. This variant is also known as c.4664G>T p.G1555V. Invitae Evidence Modeling of protein sequence and biophysical properties (such as structural, functional, and spatial information, amino acid conservation, physicochemical variation, residue mobility, and thermodynamic stability) indicates that this missense variant is expected to disrupt ABCC8 protein function with a positive predictive value of 95%. This variant disrupts the p.Gly1554 amino acid residue in ABCC8. Other variant(s) that disrupt this residue have been observed in individuals with ABCC8-related conditions (PMID: 11395395, 23652837, 24434300), which suggests that this may be a clinically significant amino acid residue. For these reasons, this variant has been classified as Pathogenic.

Fulgent Genetics
Classification: Likely pathogenic for Type 2 diabetes mellitus; Leucine-induced hypoglycemia; Hyperinsulinemic hypoglycemia, familial, 1; Diabetes mellitus, transient neonatal, 2; Diabetes mellitus, permanent neonatal 3. Last evaluated: 2024-04-20. Review status: criteria provided, single submitter. Criteria: ACMG Guidelines, 2015. Collection method: clinical testing. Allele origin: germline.

Literature cited by the submitters: PubMed 28328534 (cited by Labcorp Genetics (formerly Invitae), Labcorp); PubMed 11395395 (cited by Labcorp Genetics (formerly Invitae), Labcorp); PubMed 23652837 (cited by Labcorp Genetics (formerly Invitae), Labcorp); PubMed 24434300 (cited by Labcorp Genetics (formerly Invitae), Labcorp).

NM_000352.6(ABCC8):c.4661G>T (p.Gly1554Val)

Gene: ABCC8 (ATP binding cassette subfamily C member 8; minus strand). Cytogenetic location: 11p15.1.
Variant type: single nucleotide variant.
Coding change: c.4661G>T on transcript NM_000352.6 (MANE Select); coding-DNA position 4661, G replaced by T.
Protein change: p.Gly1554Val; replaces glycine 1554 with valine.
Molecular consequence: missense variant. On other transcripts: non-coding transcript variant (1).
Genome position (GRCh38, 1-based): chr11:17,393,076, C>A on the plus strand (G>T on the coding strand, the complement: ABCC8 is on the minus strand). VCF-style: chr11-17393076-C-A. GRCh37 (hg19) VCF-style: chr11-17414623-C-A.
Other names: c.4664G>T, p.Gly1555Val (NM_001287174.3); c.4727G>T, p.Gly1576Val (NM_001351295.2); c.4661G>T, p.Gly1554Val (NM_001351296.2); c.4658G>T, p.Gly1553Val (NM_001351297.2); short protein forms G1554V, G1555V, G1553V, G1576V.
Identifiers: ClinVar variation 2848441 (VCV002848441.4), dbSNP rs760494159, ClinGen allele CA5902387.